The following is an entry in ClinVar:

NM_000071.3(CBS):c.833T>C (p.Ile278Thr)

Gene: CBS (cystathionine beta-synthase; minus strand). Cytogenetic location: 21q22.3.
Variant type: single nucleotide variant.
Coding change: c.833T>C on transcript NM_000071.3 (MANE Select); coding-DNA position 833, T replaced by C.
Protein change: p.Ile278Thr; replaces isoleucine 278 with threonine.
Molecular consequence: missense variant.
Genome position (GRCh38, 1-based): chr21:43,063,074, A>G on the plus strand (T>C on the coding strand, the complement: CBS is on the minus strand). VCF-style: chr21-43063074-A-G. GRCh37 (hg19) VCF-style: chr21-44483184-A-G.
Other names: p.I278T:ATT>ACT; c.833T>C (NM_001320298.1); c.833T>C, p.Ile278Thr (NM_001178008.3, NM_001178009.3, NM_001320298.2); c.518T>C, p.Ile173Thr (NM_001321072.1); short protein forms I278T, I173T.
Identifiers: ClinVar variation 120 (VCV000000120.111), dbSNP rs5742905, ClinGen allele CA113880.

ClinVar aggregate classification (germline): Pathogenic. Review status: criteria provided, multiple submitters, no conflicts (2 of 4 stars). 39 submissions from 38 submitters: Pathogenic (29). 10 of the submissions do not count toward it. Last evaluated 2026-06-01.

Conditions:
Thoracic aortic aneurysm or dissection.
Connective tissue disorder. Also called: Connective tissue disease. Identifiers: MedGen C0009782, MONDO:0003900.
CBS-related disorder. Also called: CBS-related condition.
Homocystinuria. Identifiers: MedGen C0019880, MONDO:0004737, HP:0002156.
Familial thoracic aortic aneurysm and aortic dissection (TAAD). Also called: Thoracic aortic aneurysms and dissections. Identifiers: Orphanet 91387, MedGen C4707243, MONDO:0019625.
Classic homocystinuria. Also called: HOMOCYSTINURIA WITH OR WITHOUT RESPONSE TO PYRIDOXINE; Homocystinuria due to CBS deficiency; Cystathionine beta-synthase deficiency; CBS deficiency; Homocystinuria due to Cystathionine Beta-Synthase Deficiency. Identifiers: Orphanet 394, MedGen C0751202, MONDO:0009352, OMIM 236200.
Homocystinuria, pyridoxine-responsive. Identifiers: MedGen C3502110.
HYPERHOMOCYSTEINEMIA, THROMBOTIC, CBS-RELATED. Identifiers: MedGen C3150344, OMIM 236200.
Intellectual disability. Also called: Intellectual functioning disability; intellectual disabilities; Intellectual developmental disorder. Identifiers: MedGen C3714756, MeSH D008607, MONDO:0001071, HP:0001249.

Allele frequency attached by ClinVar (database versions not stated): 1000 Genomes Project 0.00020; gnomAD 0.00083.

Submissions 1 to 14 of 39:

CeGaT Center for Human Genetics Tuebingen
Classification: Pathogenic. Last evaluated: 2026-06-01. Review status: criteria provided, single submitter. Criteria: CeGaT Center For Human Genetics Tuebingen Variant Classification Criteria Version 2. Collection method: clinical testing. Allele origin: germline. Affected: yes. Observed: 15 variant alleles.
Comment: CBS: PM3:Very Strong, PP1:Strong, PM2:Supporting, PM5:Supporting, PS3:Supporting

Labcorp Genetics (formerly Invitae), Labcorp
Classification: Pathogenic for HYPERHOMOCYSTEINEMIA, THROMBOTIC, CBS-RELATED. Last evaluated: 2026-01-26. Review status: criteria provided, single submitter. Criteria: Invitae Variant Classification Sherloc (09022015). Collection method: clinical testing. Allele origin: germline.
Comment: This sequence change replaces isoleucine, which is neutral and non-polar, with threonine, which is neutral and polar, at codon 278 of the CBS protein (p.Ile278Thr). This variant is present in population databases (rs5742905, gnomAD 0.1%), and has an allele count higher than expected for a pathogenic variant. This missense change has been observed in individual(s) with pyridoxine responsive homocystinuria (PMID: 1301198, 2056790, 7611293, 7635485, 8803779, 9708897, 10364517, 11434706, 15146473, 17072863, 18805305, 19819175, 20567906, 25516723). In at least one individual the data is consistent with being in trans (on the opposite chromosome) from a pathogenic variant. ClinVar contains an entry for this variant (Variation ID: 120). Invitae Evidence Modeling of protein sequence and biophysical properties (such as structural, functional, and spatial information, amino acid conservation, physicochemical variation, residue mobility, and thermodynamic stability) indicates that this missense variant is expected to disrupt CBS protein function with a positive predictive value of 95%. Experimental studies have shown that this missense change affects CBS function (PMID: 1301198, 11359213, 20506325, 22069143, 22267502). For these reasons, this variant has been classified as Pathogenic.

Ambry Genetics
Classification: Pathogenic for Familial thoracic aortic aneurysm and aortic dissection. Last evaluated: 2025-12-17. Review status: criteria provided, single submitter. Criteria: Ambry Variant Classification Scheme 2023. Collection method: clinical testing. Allele origin: germline.
Comment: The c.833T>C (p.I278T) alteration is located in exon 10 (coding exon 8) of the CBS gene. This alteration results from a T to C substitution at nucleotide position 833, causing the isoleucine (I) at amino acid position 278 to be replaced by a threonine (T). Based on data from the Genome Aggregation Database (gnomAD) database, the CBS c.833T>C alteration was observed in 0.08% (26/31224) of total alleles studied, with a frequency of 0.14% (22/15362) in the European (non-Finnish) subpopulation. This prevalent panethnic mutation is associated with pyridoxine responsiveness and a mild clinical phenotype in homozygotes and compound heterozygotes (Shih, 1995; S&oslash;rensen, 2016). This amino acid position is completely conserved on sequence alignment. The p.I278T alteration is predicted to be deleterious by in silico analysis. Based on the available evidence, this alteration is classified as pathogenic.

Natera, Inc.
Classification: Pathogenic for Homocystinuria due to cystathionine beta-synthase deficiency. Last evaluated: 2025-10-01. Review status: criteria provided, single submitter. Criteria: Natera Variant Classification Schema (03/2026). Collection method: clinical testing. Allele origin: germline.
Comment: The c.833T>C variant in CBS is a missense variant predicted to cause substitution of isoleucine to threonine at amino acid 278. This variant is rare in the general population with a frequency below the threshold expected for the associated phenotype(s). This variant has been observed in one or more individuals affected with the associated recessive disease, as either homozygous or compound heterozygous with a second variant (PMID: 24211323, 32769498, 25218699). Given the available evidence, this variant is classified as Pathogenic.

Revvity Omics, Revvity
Classification: Pathogenic for Classic homocystinuria. Last evaluated: 2025-03-27. Review status: criteria provided, single submitter. Criteria: ACMG Guidelines, 2015. Collection method: clinical testing. Allele origin: germline.

Genomic Medicine Center of Excellence, King Faisal Specialist Hospital and Research Centre
Classification: Pathogenic for Classic homocystinuria. Last evaluated: 2024-12-19. Review status: criteria provided, single submitter. Criteria: ACMG Guidelines, 2015. Collection method: clinical testing. Allele origin: germline.

Blueprint Genetics
Classification: Pathogenic for CBS-related disorders. Last evaluated: 2024-10-29. Review status: criteria provided, single submitter. Criteria: ACMG Guidelines, 2015. Collection method: clinical testing. Allele origin: germline. Affected: yes. Observed: 5 variant alleles.

NHS Central & South Genomic Laboratory Hub
Classification: Pathogenic for Thoracic aortic aneurysm or dissection. Last evaluated: 2024-07-01. Review status: criteria provided, single submitter. Criteria: ACMG Guidelines, 2015. Collection method: clinical testing. Allele origin: germline. Affected: yes.

Department of Clinical Genetics, Copenhagen University Hospital, Rigshospitalet
Classification: Pathogenic for Classic homocystinuria. Last evaluated: 2024-04-18. Review status: criteria provided, single submitter. Criteria: ACMG Guidelines, 2015. Collection method: clinical testing. Allele origin: germline.
Comment: PS4_M, PP4_M, PS3_M, PP1_M, PM2_Sup, PP3_sup

Baylor Genetics
Classification: Pathogenic for Classic homocystinuria. Last evaluated: 2024-03-30. Review status: criteria provided, single submitter. Criteria: ACMG Guidelines, 2015. Collection method: clinical testing. Allele origin: unknown.

Laboratory of Medical Genetics, National & Kapodistrian University of Athens
Classification: Pathogenic for Classic homocystinuria. Last evaluated: 2024-02-01. Review status: criteria provided, single submitter. Criteria: ACMG Guidelines, 2015. Collection method: curation. Allele origin: germline. Affected: no.

Department of Pathology and Laboratory Medicine, Sinai Health System
Classification: Pathogenic for Classic homocystinuria. Last evaluated: 2023-10-02. Review status: criteria provided, single submitter. Criteria: ACMG Guidelines, 2015. Collection method: research. Allele origin: germline.

ARUP Laboratories, Molecular Genetics and Genomics, ARUP Laboratories
Classification: Pathogenic. Last evaluated: 2023-09-21. Review status: criteria provided, single submitter. Criteria: ARUP Molecular Germline Variant Investigation Process 2024. Collection method: clinical testing. Allele origin: germline.
Comment: The CBS c.833T>C; p.Ile278Thr variant (rs5742905) is the most frequently reported variant associated with pyridoxine-responsive homocystinuria and has been observed in affected individuals in both the homozygous and compound heterozygous states (Gaustadnes 1999, Refsum 2004, Skovby 2010, Magner, 2011, and Sorensen 2016). Functional studies demonstrate that the p.Ile278Thr variant has decreased stability and severely reduced activity relative to wildtype protein (Kozich 2010, Hnizda 2012, and Mayfield 2012). The clinical presentation of p.Ile278Thr homozygotes has been described as mild, with many patients having thrombosis as their initial symptom (Skovby 2010). This variant is classified as pathogenic in ClinVar (ID: 120) and is found in the general population with an overall allele frequency of 0.08% (24/30774 alleles) in the Genome Aggregation Database. The isoleucine at codon 278 is moderately conserved, and computational analyses predict that this variant is deleterious (REVEL: 0.74). Based on the available evidence, the p.Ile278Thr variant is considered to be pathogenic. References: Gaustadnes et al, Prevalence of congenital homocystinuria in Denmark. N Engl J Med. 1999 May 13;340(19):1513. Hnizda et al. Cystathionine beta-synthase mutants exhibit changes in protein unfolding: conformational analysis of misfolded variants in crude cell extracts. J Inherit Metab Dis. 2012; 35(3):469-477 Kozich et al. Cystathionine beta-synthase mutations: effect of mutation topology on folding and activity. Hum Mutat. 2010; 31(7):809-819. Magner et al. Vascular presentation of cystathionine beta-synthase deficiency in adulthood. J Inherit Metab Dis. 2011; 34(1):33-37. Mayfield et al. Surrogate genetics and metabolic profiling for characterization of human disease alleles. Genetics. 2012 Apr;190(4):1309-23. Refsum et al. Birth prevalence of homocystinuria. J Pediatr. 2004 Jun;144(6):830-2. Skovby et al. A revisit to the natural history of homocystinuria due to cystathionine beta-synthase deficiency. Mol Genet Metab. 2010; 99(1):1-3. Sorensen et al. Molecular and biochemical investigations of patients with intermediate or severe hyperhomocysteinemia. Mol Genet Metab. 2016; 117(3):344-350.

Mayo Clinic Laboratories, Mayo Clinic
Classification: Pathogenic. Last evaluated: 2023-05-03. Review status: criteria provided, single submitter. Criteria: ACMG Guidelines, 2015. Collection method: clinical testing. Allele origin: germline. Observed: 84 variant alleles.